The following is an entry in ClinVar:

ClinVar aggregate classification (germline): Uncertain significance (1 of 4 stars; one submission).

Allele frequency attached by ClinVar (database versions not stated): gnomAD exomes below 0.00001; TOPMed below 0.00001.
gnomAD v4.1: 4 of 1,481,950 alleles (0.00027%); highest among the groups gnomAD compares: Admixed American, 0.0026%; no homozygotes.

Submission:

Labcorp Genetics (formerly Invitae), Labcorp
Classification: Uncertain significance. Last evaluated: 2022-05-11. Review status: criteria provided, single submitter. Criteria: Invitae Variant Classification Sherloc (09022015). Collection method: clinical testing. Allele origin: germline.
Comment: In summary, the available evidence is currently insufficient to determine the role of this variant in disease. Therefore, it has been classified as a Variant of Uncertain Significance. Algorithms developed to predict the effect of missense changes on protein structure and function (SIFT, PolyPhen-2, Align-GVGD) all suggest that this variant is likely to be tolerated. This variant has not been reported in the literature in individuals affected with LONP1-related conditions. The frequency data for this variant in the population databases is considered unreliable, as metrics indicate poor data quality at this position in the gnomAD database. This sequence change replaces alanine, which is neutral and non-polar, with threonine, which is neutral and polar, at codon 14 of the LONP1 protein (p.Ala14Thr).

NM_004793.4(LONP1):c.40G>A (p.Ala14Thr)

Gene: LONP1 (lon peptidase 1, mitochondrial; minus strand). Cytogenetic location: 19p13.3.
Variant type: single nucleotide variant.
Coding change: c.40G>A on transcript NM_004793.4 (MANE Select); coding-DNA position 40, G replaced by A.
Protein change: p.Ala14Thr; replaces alanine 14 with threonine.
Molecular consequence: missense variant. On other transcripts: non-coding transcript variant (1), intron variant (1).
Genome position (GRCh38, 1-based): chr19:5,720,093, C>T on the plus strand (G>A on the coding strand, the complement: LONP1 is on the minus strand). VCF-style: chr19-5720093-C-T. GRCh37 (hg19) VCF-style: chr19-5720104-C-T.
Other names: c.40G>A, p.Ala14Thr (NM_001276479.2); c.-160+126G>A (NM_001276480.1); short protein forms A14T.
Identifiers: ClinVar variation 1931657 (VCV001931657.5), dbSNP rs1312348908, ClinGen allele CA403544777.